The following is an entry in ClinVar:

NM_015450.3(POT1):c.568C>T (p.Pro190Ser)

Gene: POT1 (protection of telomeres 1; minus strand). Cytogenetic location: 7q31.33.
Variant type: single nucleotide variant.
Coding change: c.568C>T on transcript NM_015450.3 (MANE Select); coding-DNA position 568, C replaced by T.
Protein change: p.Pro190Ser; replaces proline 190 with serine.
Molecular consequence: missense variant. On other transcripts: non-coding transcript variant (3).
Genome position (GRCh38, 1-based): chr7:124,859,091, G>A on the plus strand (C>T on the coding strand, the complement: POT1 is on the minus strand). VCF-style: chr7-124859091-G-A. GRCh37 (hg19) VCF-style: chr7-124499145-G-A.
Other names: c.175C>T, p.Pro59Ser (NM_001042594.2); short protein forms P59S, P190S.
Identifiers: ClinVar variation 4673747 (VCV004673747.1).

ClinVar aggregate classification (germline): Uncertain significance (1 of 4 stars; one submission).

Conditions:
Hereditary cancer-predisposing syndrome. Also called: Neoplastic Syndromes, Hereditary; Tumor predisposition; Hereditary Cancer Syndrome; Hereditary neoplastic syndrome. Identifiers: Orphanet 140162, MedGen C0027672, MeSH D009386, MONDO:0015356.

gnomAD v4.1: 4 of 1,600,682 alleles (0.00025%); no homozygotes.

Submission:

Ambry Genetics
Classification: Uncertain significance for Hereditary cancer-predisposing syndrome. Last evaluated: 2025-11-05. Review status: criteria provided, single submitter. Criteria: Ambry Variant Classification Scheme 2023. Collection method: clinical testing. Allele origin: germline.
Comment: The p.P190S variant (also known as c.568C>T), located in coding exon 5 of the POT1 gene, results from a C to T substitution at nucleotide position 568. The proline at codon 190 is replaced by serine, an amino acid with similar properties. This amino acid position is conserved. In addition, this alteration is predicted to be tolerated by in silico analysis. Based on the available evidence, the clinical significance of this variant remains unclear.